The following is an entry in ClinVar:

NM_005732.4(RAD50):c.2149T>A (p.Ser717Thr)

Gene: RAD50 (RAD50 double strand break repair protein; plus strand). Cytogenetic location: 5q31.1.
Variant type: single nucleotide variant.
Coding change: c.2149T>A on transcript NM_005732.4 (MANE Select); coding-DNA position 2149, T replaced by A.
Protein change: p.Ser717Thr; replaces serine 717 with threonine.
Molecular consequence: missense variant.
Genome position (GRCh38, 1-based): chr5:132,595,752, T>A. VCF-style: chr5-132595752-T-A. GRCh37 (hg19) VCF-style: chr5-131931444-T-A.
Other names: c.2149T>A (NM_005732.3); short protein forms S717T.
Identifiers: ClinVar variation 2857503 (VCV002857503.4), dbSNP rs2479652227, ClinGen allele CA360950465.
Genomic context (GRCh38, chr5:132,595,752, plus strand): 5'-GTCATCAGTGATTTGCAGTCTAAACTGCGACTTGCTCCAGATAAACTCAAGTCAACAGAA[T>A]CAGAGCTAAAAAAAAAGGAAAAGCGGCGTGATGAAATGCTGGGACTTGTGCCCATGAGGT-3'
Protein context (NP_005723.2, residues 707-727): LAPDKLKSTE[Ser717Thr]ELKKKEKRRD

ClinVar aggregate classification (germline): Uncertain significance. Review status: criteria provided, multiple submitters, no conflicts (2 of 4 stars). 2 submissions from 2 submitters: Uncertain significance (2). Last evaluated 2026-05-23.

Conditions:
Hereditary cancer-predisposing syndrome. Also called: Hereditary neoplastic syndrome; Neoplastic Syndromes, Hereditary; Tumor predisposition; Hereditary Cancer Syndrome. Identifiers: Orphanet 140162, MedGen C0027672, MeSH D009386, MONDO:0015356.

Submissions (2):

Ambry Genetics
Classification: Uncertain significance for Hereditary cancer-predisposing syndrome. Last evaluated: 2026-05-23. Review status: criteria provided, single submitter. Criteria: Ambry Variant Classification Scheme 2023. Collection method: clinical testing. Allele origin: germline.
Comment: The p.S717T variant (also known as c.2149T>A), located in coding exon 13 of the RAD50 gene, results from a T to A substitution at nucleotide position 2149. The serine at codon 717 is replaced by threonine, an amino acid with similar properties. This amino acid position is conserved. In addition, this alteration is predicted to be tolerated by in silico analysis. Based on the available evidence, the clinical significance of this variant remains unclear.

Labcorp Genetics (formerly Invitae), Labcorp
Classification: Uncertain significance for Hereditary cancer-predisposing syndrome. Last evaluated: 2023-04-19. Review status: criteria provided, single submitter. Criteria: Invitae Variant Classification Sherloc (09022015). Collection method: clinical testing. Allele origin: germline.
Comment: Advanced modeling of protein sequence and biophysical properties (such as structural, functional, and spatial information, amino acid conservation, physicochemical variation, residue mobility, and thermodynamic stability) performed at Invitae indicates that this missense variant is not expected to disrupt RAD50 protein function. In summary, the available evidence is currently insufficient to determine the role of this variant in disease. Therefore, it has been classified as a Variant of Uncertain Significance. This variant has not been reported in the literature in individuals affected with RAD50-related conditions. This variant is not present in population databases (gnomAD no frequency). This sequence change replaces serine, which is neutral and polar, with threonine, which is neutral and polar, at codon 717 of the RAD50 protein (p.Ser717Thr).